The following is an entry in ClinVar:

NM_000535.7(PMS2):c.979G>A (p.Val327Ile)

Gene: PMS2 (PMS1 homolog 2, mismatch repair system component; minus strand). Cytogenetic location: 7p22.1.
Variant type: single nucleotide variant.
Coding change: c.979G>A on transcript NM_000535.7 (MANE Select); coding-DNA position 979, G replaced by A.
Protein change: p.Val327Ile; replaces valine 327 with isoleucine.
Molecular consequence: missense variant. On other transcripts: non-coding transcript variant (1).
Genome position (GRCh38, 1-based): chr7:5,991,982, C>T on the plus strand (G>A on the coding strand, the complement: PMS2 is on the minus strand). VCF-style: chr7-5991982-C-T. GRCh37 (hg19) VCF-style: chr7-6031613-C-T.
Other names: c.574G>A, p.Val192Ile (NM_001322003.2, NM_001322004.2, NM_001322009.2 and 2 more transcripts); c.979G>A, p.Val327Ile (NM_001322006.2, NM_001322014.2); c.661G>A, p.Val221Ile (NM_001322007.2, NM_001322008.2); c.46G>A, p.Val16Ile (NM_001322011.2, NM_001322012.2); c.406G>A, p.Val136Ile (NM_001322013.2); c.670G>A, p.Val224Ile (NM_001322015.2); short protein forms V327I, V221I, V136I, V16I, V224I, V192I.
Identifiers: ClinVar variation 578008 (VCV000578008.16), dbSNP rs1257825900, ClinGen allele CA366743075.

ClinVar aggregate classification (germline): Uncertain significance. Review status: criteria provided, multiple submitters, no conflicts (2 of 4 stars). 5 submissions from 5 submitters: Uncertain significance (4). 1 of the submissions does not count toward it. Last evaluated 2026-01-27.

Conditions:
Hereditary cancer-predisposing syndrome. Also called: Tumor predisposition; Hereditary neoplastic syndrome; Hereditary Cancer Syndrome; Neoplastic Syndromes, Hereditary. Identifiers: Orphanet 140162, MedGen C0027672, MeSH D009386, MONDO:0015356.
Hereditary nonpolyposis colorectal neoplasms. Identifiers: MedGen C0009405, MeSH D003123.

Submissions (5):

Labcorp Genetics (formerly Invitae), Labcorp
Classification: Uncertain significance for Hereditary nonpolyposis colorectal neoplasms. Last evaluated: 2026-01-27. Review status: criteria provided, single submitter. Criteria: Invitae Variant Classification Sherloc (09022015). Collection method: clinical testing. Allele origin: germline.
Comment: This sequence change replaces valine, which is neutral and non-polar, with isoleucine, which is neutral and non-polar, at codon 327 of the PMS2 protein (p.Val327Ile). This variant is not present in population databases (gnomAD no frequency). This variant has not been reported in the literature in individuals affected with PMS2-related conditions. ClinVar contains an entry for this variant (Variation ID: 578008). Invitae Evidence Modeling incorporating data from in vitro experimental studies (internal data) indicates that this missense variant is not expected to disrupt PMS2 function with a negative predictive value of 95%. In summary, the available evidence is currently insufficient to determine the role of this variant in disease. Therefore, it has been classified as a Variant of Uncertain Significance.

Ambry Genetics
Classification: Uncertain significance for Hereditary cancer-predisposing syndrome. Last evaluated: 2025-02-01. Review status: criteria provided, single submitter. Criteria: Ambry Variant Classification Scheme 2023. Collection method: clinical testing. Allele origin: germline.
Comment: The p.V327I variant (also known as c.979G>A), located in coding exon 9 of the PMS2 gene, results from a G to A substitution at nucleotide position 979. The valine at codon 327 is replaced by isoleucine, an amino acid with highly similar properties. This variant was also observed in 1/3251 individuals who met eligibility criteria for hereditary breast and ovarian cancer syndrome (Lerner-Ellis J et al. J Cancer Res Clin Oncol, 2021 Mar;147:871-879). This amino acid position is highly conserved in available vertebrate species. In addition, the in silico prediction for this alteration is inconclusive. Since supporting evidence is limited at this time, the clinical significance of this alteration remains unclear.

GeneDx
Classification: Uncertain significance. Last evaluated: 2020-08-31. Review status: criteria provided, single submitter. Criteria: GeneDx Variant Classification Process June 2021. Collection method: clinical testing. Allele origin: germline. Affected: yes.
Comment: Not observed in large population cohorts (Lek 2016); In silico analysis supports that this missense variant does not alter protein structure/function; Has not been previously published as pathogenic or benign to our knowledge

Color Diagnostics, LLC DBA Color Health
Classification: Uncertain significance for Hereditary cancer-predisposing syndrome. Last evaluated: 2019-03-14. Review status: criteria provided, single submitter. Criteria: ACMG Guidelines, 2015. Collection method: clinical testing. Allele origin: germline.

Department of Pathology and Laboratory Medicine, Sinai Health System
Classification: Uncertain significance. Review status: no assertion criteria provided. Collection method: clinical testing. Allele origin: unknown. Affected: yes. Study: The Canadian Open Genetics Repository (COGR). Not counted in ClinVar's aggregate classification.
Comment: The PMS2 p.Val327Ile variant was not identified in the literature nor was it identified in the dbSNP, database. The variant was identified in ClinVar (1x, as uncertain significance by Invitae). The variant was not identified in the following control databases: the Exome Aggregation Consortium (August 8th 2016), or the Genome Aggregation Database (Feb 27, 2017). The p.Val327 residue is conserved in mammals and computational analyses (PolyPhen-2, SIFT, AlignGVGD, BLOSUM, MutationTaster) provide inconsistent predictions regarding the impact to the protein; this information is not very predictive of pathogenicity. The variant occurs outside of the splicing consensus sequence and 1 of 4 in silico or computational prediction software programs (SpliceSiteFinder, MaxEntScan, NNSPLICE, GeneSplicer) predict a greater than 10% difference in splicing; this is not very predictive of pathogenicity. In summary, based on the above information the clinical significance of this variant cannot be determined with certainty at this time. This variant is classified as a variant of uncertain significance.

Literature cited by the submitters: PubMed 32885271 (cited by Ambry Genetics).